The following is an entry in ClinVar:

ClinVar aggregate classification (germline): Likely pathogenic (1 of 4 stars; one submission).

Submission:

GeneDx
Classification: Likely pathogenic. Last evaluated: 2016-04-06. Review status: criteria provided, single submitter. Criteria: GeneDx Variant Classification (06012015). Collection method: clinical testing. Allele origin: germline. Affected: yes.
Comment: A novel Y274X variant that is likely pathogenic has been identified in the GABRG2 gene. The Y274X variant hasnot been published as a pathogenic variant, nor has it been reported as a benign variant to our knowledge. It was notobserved in approximately 6,500 individuals of European and African American ancestry in the NHLBI ExomeSequencing Project, indicating it is not a common benign variant in these populations. The Y274X nonsense variantgene is predicted to cause loss of normal protein function either through protein truncation or nonsense-mediatedmRNA decay. Therefore, this variant is likely pathogenic; however, the possibility that it is benign cannot beexcluded.

NM_198904.4(GABRG2):c.822C>A (p.Tyr274Ter)

Gene: GABRG2 (gamma-aminobutyric acid type A receptor subunit gamma2; plus strand). Cytogenetic location: 5q34.
Variant type: single nucleotide variant.
Coding change: c.822C>A on transcript NM_198904.4 (MANE Select); coding-DNA position 822, C replaced by A.
Protein change: p.Tyr274Ter; replaces tyrosine 274 with a stop codon.
Molecular consequence: nonsense.
Genome position (GRCh38, 1-based): chr5:162,142,216, C>A. VCF-style: chr5-162142216-C-A. GRCh37 (hg19) VCF-style: chr5-161569222-C-A.
Other names: c.822C>A, p.Tyr274Ter (NM_000816.3, NM_001375340.1); c.813C>A, p.Tyr271Ter (NM_001375339.1); c.819C>A, p.Tyr273Ter (NM_001375341.1, NM_001375342.1); c.942C>A, p.Tyr314Ter (NM_001375343.1, NM_198903.2); c.861C>A, p.Tyr287Ter (NM_001375344.1); c.756C>A, p.Tyr252Ter (NM_001375345.1, NM_001375346.1); c.735C>A, p.Tyr245Ter (NM_001375347.1); c.402C>A, p.Tyr134Ter (NM_001375348.1, NM_001375350.1); and 1 more; short protein forms Y274*, Y314*, Y134*, Y179*, Y245*, Y252*, Y271*, Y273*.
Identifiers: ClinVar variation 420822 (VCV000420822.2), dbSNP rs1064794724, ClinGen allele CA16618160.
Genomic context (GRCh38, chr5:162,142,216, plus strand): 5'-TGTTCCAGGAGATTATGTGGTCATGTCTGTCTACTTTGATCTGAGCAGAAGAATGGGATA[C>A]TTTACCATCCAGACCTATATCCCCTGCACACTCATTGTCGTCCTATCCTGGGTGTCTTTC-3'